The following is an entry in ClinVar:

ClinVar aggregate classification (germline): Uncertain significance (0 of 4 stars; one submission).

Conditions:
Intellectual disability, autosomal dominant 11. Identifiers: MedGen C3280285, MONDO:0013658, OMIM 614257.

Submission:

Department of Biotechnology and Genetic Engineering, Kohat University of Science and Technology
Classification: Uncertain significance for Intellectual disability, autosomal dominant 11. Last evaluated: 2024-02-02. Review status: no assertion criteria provided. Collection method: research. Allele origin: paternal. Inheritance: Autosomal dominant inheritance. Affected: yes. Observed: 1 heterozygote.
Comment: While classified as a variant of uncertain significance (VUS) based on ACMG criteria (PMID:25741868), additional evidence suggests its potential pathogenicity. The variant is located within a highly conserved region (PhyloP score: 7.32), indicating functional relevance. Furthermore, a REVEL score of 0.848 supports its likely pathogenic nature (PP3). Given that EPB41L1 is associated with neurodevelopmental disorders (MIM #614257), the presence of this variant in a clinically relevant phenotype strengthens its potential role in disease causation. In summary, this variant meets the criteria to be classified as VUS for epilepsy-associated NDDs, based on the ACMG criteria applied: PM2, PP1-M, PP3, BP1.

NM_012156.2(EPB41L1):c.2557C>T (p.His853Tyr)

Gene: EPB41L1 (erythrocyte membrane protein band 4.1 like 1; plus strand). Cytogenetic location: 20q11.23.
Variant type: single nucleotide variant.
Coding change: c.2557C>T on transcript NM_012156.2 (MANE Select); coding-DNA position 2557, C replaced by T.
Protein change: p.His853Tyr; replaces histidine 853 with tyrosine.
Molecular consequence: missense variant.
Genome position (GRCh38, 1-based): chr20:36,222,314, C>T. VCF-style: chr20-36222314-C-T. GRCh37 (hg19) VCF-style: chr20-34810236-C-T.
Other names: c.2554C>T, p.His852Tyr (NM_001258329.1, NM_001424402.1); c.2017C>T, p.His673Tyr (NM_001258330.1); c.2251C>T, p.His751Tyr (NM_001258331.2, NM_001424390.1, NM_177996.2); c.1753C>T, p.His585Tyr (NM_001424373.1); c.1837C>T, p.His613Tyr (NM_001424374.1); c.1840C>T, p.His614Tyr (NM_001424375.1, NM_001424403.1); c.1876C>T, p.His626Tyr (NM_001424376.1); c.1918C>T, p.His640Tyr (NM_001424377.1); and 19 more; short protein forms H585Y, H613Y, H614Y, H626Y, H640Y, H641Y, H642Y, H654Y.
Identifiers: ClinVar variation 3764749 (VCV003764749.2).
Genomic context (GRCh38, chr20:36,222,314, plus strand): 5'-TCCTTTGCTGTTCTTTACCACCAGGCCCTGGCTTTGGCCATCAAGGAGGCCAAACTGCAG[C>T]ATCCTGATATGCTGGTAACCAAAGCTGTCGTATACAGAGAAACAGACCCATCCCCAGAGG-3'
Protein context (NP_036288.2, residues 843-863): ALAIKEAKLQ[His853Tyr]PDMLVTKAVV